The following is an entry in ClinVar:

ClinVar aggregate classification (germline): Uncertain significance (1 of 4 stars; one submission).

Conditions:
Developmental and epileptic encephalopathy 94 (DEE94). Also called: CHD2-Related Neurodevelopmental Disorders; Epileptic encephalopathy, childhood-onset. Identifiers: Orphanet 1942, Orphanet 2382, MedGen C3809278, MONDO:0014150, OMIM 615369.

Submission:

Labcorp Genetics (formerly Invitae), Labcorp
Classification: Uncertain significance for Developmental and epileptic encephalopathy 94. Last evaluated: 2021-10-14. Review status: criteria provided, single submitter. Criteria: Invitae Variant Classification Sherloc (09022015). Collection method: clinical testing. Allele origin: germline.
Comment: In summary, the available evidence is currently insufficient to determine the role of this variant in disease. Therefore, it has been classified as a Variant of Uncertain Significance. Advanced modeling of protein sequence and biophysical properties (such as structural, functional, and spatial information, amino acid conservation, physicochemical variation, residue mobility, and thermodynamic stability) performed at Invitae indicates that this missense variant is not expected to disrupt CHD2 protein function. This variant has not been reported in the literature in individuals affected with CHD2-related conditions. This variant is not present in population databases (ExAC no frequency). This sequence change replaces glutamic acid with aspartic acid at codon 1050 of the CHD2 protein (p.Glu1050Asp). The glutamic acid residue is highly conserved and there is a small physicochemical difference between glutamic acid and aspartic acid.

NM_001271.4(CHD2):c.3150A>C (p.Glu1050Asp)

Gene: CHD2 (chromodomain helicase DNA binding protein 2; plus strand). Cytogenetic location: 15q26.1.
Variant type: single nucleotide variant.
Coding change: c.3150A>C on transcript NM_001271.4 (MANE Select); coding-DNA position 3150, A replaced by C.
Protein change: p.Glu1050Asp; replaces glutamic acid 1050 with aspartic acid.
Molecular consequence: missense variant.
Genome position (GRCh38, 1-based): chr15:92,984,413, A>C. VCF-style: chr15-92984413-A-C. GRCh37 (hg19) VCF-style: chr15-93527643-A-C.
Other names: short protein forms E1050D.
Identifiers: ClinVar variation 1476792 (VCV001476792.6), dbSNP rs1261637857, ClinGen allele CA393895252.